The following is an entry in ClinVar:

NM_000038.6(APC):c.3892T>A (p.Ser1298Thr)

Gene: APC (APC regulator of Wnt signaling pathway; plus strand). Cytogenetic location: 5q22.2.
Variant type: single nucleotide variant.
Coding change: c.3892T>A on transcript NM_000038.6 (MANE Select); coding-DNA position 3892, T replaced by A.
Protein change: p.Ser1298Thr; replaces serine 1298 with threonine.
Molecular consequence: missense variant.
Genome position (GRCh38, 1-based): chr5:112,839,486, T>A. VCF-style: chr5-112839486-T-A. GRCh37 (hg19) VCF-style: chr5-112175183-T-A.
Other names: c.3892T>A, p.Ser1298Thr (NM_001127510.3, NM_001354895.2); c.3838T>A, p.Ser1280Thr (NM_001127511.3); c.3946T>A, p.Ser1316Thr (NM_001354896.2); c.3922T>A, p.Ser1308Thr (NM_001354897.2); c.3817T>A, p.Ser1273Thr (NM_001354898.2); c.3808T>A, p.Ser1270Thr (NM_001354899.2); c.3769T>A, p.Ser1257Thr (NM_001354900.2); c.3715T>A, p.Ser1239Thr (NM_001354901.2); and 5 more; short protein forms S1298T, S1280T, S1197T, S1207T, S1316T, S1015T, S1138T, S1257T.
Identifiers: ClinVar variation 411455 (VCV000411455.13), dbSNP rs1060503316, ClinGen allele CA16029874.

ClinVar aggregate classification (germline): Uncertain significance. Review status: criteria provided, multiple submitters, no conflicts (2 of 4 stars). 3 submissions from 3 submitters: Uncertain significance (3). Last evaluated 2024-03-01.

Conditions:
Familial adenomatous polyposis 1 (FAP1). Also called: FAMILIAL ADENOMATOUS POLYPOSIS 1, ATTENUATED; POLYPOSIS, ADENOMATOUS INTESTINAL. Identifiers: MedGen C2713442, MONDO:0021056, OMIM 175100. Disease mechanism: loss of function.
Hereditary cancer-predisposing syndrome. Also called: Tumor predisposition; Hereditary Cancer Syndrome; Hereditary neoplastic syndrome; Neoplastic Syndromes, Hereditary. Identifiers: Orphanet 140162, MedGen C0027672, MeSH D009386, MONDO:0015356.

Submissions (3):

Baylor Genetics
Classification: Uncertain significance for Familial adenomatous polyposis 1. Last evaluated: 2024-03-01. Review status: criteria provided, single submitter. Criteria: ACMG Guidelines, 2015. Collection method: clinical testing. Allele origin: unknown.

Labcorp Genetics (formerly Invitae), Labcorp
Classification: Uncertain significance for Familial adenomatous polyposis 1. Last evaluated: 2022-04-11. Review status: criteria provided, single submitter. Criteria: Invitae Variant Classification Sherloc (09022015). Collection method: clinical testing. Allele origin: germline.
Comment: This sequence change replaces serine, which is neutral and polar, with threonine, which is neutral and polar, at codon 1298 of the APC protein (p.Ser1298Thr). This variant is not present in population databases (gnomAD no frequency). This variant has not been reported in the literature in individuals affected with APC-related conditions. ClinVar contains an entry for this variant (Variation ID: 411455). Algorithms developed to predict the effect of missense changes on protein structure and function output the following: SIFT: "Tolerated"; PolyPhen-2: "Benign"; Align-GVGD: "Class C0". The threonine amino acid residue is found in multiple mammalian species, which suggests that this missense change does not adversely affect protein function. In summary, the available evidence is currently insufficient to determine the role of this variant in disease. Therefore, it has been classified as a Variant of Uncertain Significance.

Ambry Genetics
Classification: Uncertain significance for Hereditary cancer-predisposing syndrome. Last evaluated: 2021-12-07. Review status: criteria provided, single submitter. Criteria: Ambry Variant Classification Scheme 2023. Collection method: clinical testing. Allele origin: germline.
Comment: The p.S1298T variant (also known as c.3892T>A), located in coding exon 15 of the APC gene, results from a T to A substitution at nucleotide position 3892. The serine at codon 1298 is replaced by threonine, an amino acid with similar properties. This amino acid position is well conserved in available vertebrate species. In addition, in silico predictors for this gene do not accurately predict pathogenicity. Since supporting evidence is limited at this time, the clinical significance of this alteration remains unclear.